The following is an entry in ClinVar:

NM_002742.3(PRKD1):c.134del (p.Pro45fs)

Gene: PRKD1 (protein kinase D1; minus strand). Cytogenetic location: 14q12.
Variant type: Deletion.
Coding change: c.134del on transcript NM_002742.3 (MANE Select); coding-DNA position 134, one base deleted (C; older notation c.134delC).
Protein change: p.Pro45fs; shifts the reading frame from proline 45.
Molecular consequence: frameshift variant.
Genome position (GRCh38, 1-based): chr14:29,927,379, G deleted on the plus strand (C on the coding strand, the reverse complement: PRKD1 is on the minus strand); the first of 4 consecutive G bases (chr14:29,927,379-29,927,382); deleting any one gives the same sequence. VCF-style (leftmost placement, unchanged base first): chr14-29927378-CG-C. GRCh37 (hg19) VCF-style: chr14-30396584-CG-C.
Other names: c.134del, p.Pro45fs (NM_001330069.2); short protein forms P45fs.
Identifiers: ClinVar variation 3894551 (VCV003894551.1).

ClinVar aggregate classification (germline): Uncertain significance (1 of 4 stars; one submission).

Conditions:
Congenital heart defects and ectodermal dysplasia (CHDED). Identifiers: MedGen C4479250, MONDO:0044303, OMIM 617364.

Submission:

MVZ Medizinische Genetik Mainz
Classification: Uncertain significance for Congenital heart defects and ectodermal dysplasia. Last evaluated: 2025-04-07. Review status: criteria provided, single submitter. Criteria: UK Practice Guidelines For Variant Classification V4 01 2020. Collection method: clinical testing. Allele origin: germline. Inheritance: Autosomal dominant inheritance. Affected: yes. Observed: 1 variant allele.
Comment: ACMG Criteria: PVS1_STR,PM2_SUP